The following is an entry in ClinVar:

ClinVar aggregate classification (germline): Likely benign. Review status: criteria provided, multiple submitters, no conflicts (2 of 4 stars). 3 submissions from 3 submitters: Likely benign (3). Last evaluated 2026-01-23.

Allele frequency attached by ClinVar (database versions not stated): ExAC 0.00001; gnomAD 0.00001; TOPMed 0.00002.
gnomAD v4.1: 24 of 1,613,944 alleles (0.0015%); highest among the groups gnomAD compares: Middle Eastern, 0.016%; no homozygotes.

Submissions (3):

Labcorp Genetics (formerly Invitae), Labcorp
Classification: Likely benign. Last evaluated: 2026-01-23. Review status: criteria provided, single submitter. Criteria: Invitae Variant Classification Sherloc (09022015). Collection method: clinical testing. Allele origin: germline.

CeGaT Center for Human Genetics Tuebingen
Classification: Likely benign. Last evaluated: 2023-01-01. Review status: criteria provided, single submitter. Criteria: CeGaT Center For Human Genetics Tuebingen Variant Classification Criteria Version 2. Collection method: clinical testing. Allele origin: germline. Affected: yes. Observed: 1 variant allele.
Comment: TRRAP: BP4, BP7

Blueprint Genetics
Classification: Likely benign. Last evaluated: 2021-08-19. Review status: criteria provided, single submitter. Criteria: ACMG Guidelines, 2015. Collection method: clinical testing. Allele origin: germline.

NM_001375524.1(TRRAP):c.6420G>A (p.Ala2140=)

Gene: TRRAP (transformation/transcription domain associated protein; plus strand). Cytogenetic location: 7q22.1.
Variant type: single nucleotide variant.
Coding change: c.6420G>A on transcript NM_001375524.1 (MANE Select); coding-DNA position 6420, G replaced by A.
Protein change: p.Ala2140=; no amino-acid change (alanine 2140 retained).
Molecular consequence: synonymous variant.
Genome position (GRCh38, 1-based): chr7:98,959,421, G>A. VCF-style: chr7-98959421-G-A. GRCh37 (hg19) VCF-style: chr7-98557044-G-A.
Other names: c.6399G>A, p.Ala2133= (NM_001244580.2); c.6345G>A, p.Ala2115= (NM_003496.4).
Identifiers: ClinVar variation 2657705 (VCV002657705.28), dbSNP rs776359341, ClinGen allele CA4360858.
Genomic context (GRCh38, chr7:98,959,421, plus strand): 5'-CACAGCGGGGTCCCCTGGGGAGGTGCTCTCTCGCCGGTGTGTGAACCTTCTGAAGACTGC[G>A]TTGCGGCCAGACATGTGGCCCAAGTCCGAACTCAAGCTGCAGTGGTTCGACAAGCTGCTG-3'
Protein context (NP_001362453.1, residues 2130-2150): SRRCVNLLKT[Ala2140=]LRPDMWPKSE